The following is an entry in ClinVar:

ClinVar aggregate classification (germline): Uncertain significance (1 of 4 stars; one submission).

Conditions:
Charcot-Marie-Tooth disease axonal type 2S. Also called: CHARCOT-MARIE-TOOTH NEUROPATHY, TYPE 2S; CHARCOT-MARIE-TOOTH DISEASE, AXONAL, AUTOSOMAL RECESSIVE, TYPE 2S. Identifiers: Orphanet 443073, MedGen C4015349, MONDO:0014511, OMIM 616155.
Autosomal recessive distal spinal muscular atrophy 1. Also called: NEURONOPATHY, DISTAL HEREDITARY MOTOR, HARDING TYPE VI; NEUROPATHY, DISTAL HEREDITARY MOTOR, AUTOSOMAL RECESSIVE 1; HMN VI; NEURONOPATHY, SEVERE INFANTILE AXONAL, WITH RESPIRATORY FAILURE; SEVERE INFANTILE AXONAL NEUROPATHY WITH RESPIRATORY FAILURE; SPINAL MUSCULAR ATROPHY, DIAPHRAGMATIC. Identifiers: Orphanet 98920, MedGen C1858517, MONDO:0011436, OMIM 604320.

Allele frequency attached by ClinVar (database versions not stated): gnomAD 0.00001; gnomAD exomes 0.00001 and 0.00002; TOPMed 0.00001; ExAC 0.00004; ESP Exome Variant Server 0.00008.
gnomAD v4.1: 23 of 1,613,424 alleles (0.0014%); highest among the groups gnomAD compares: South Asian, 0.0055%; no homozygotes.

Submission:

Labcorp Genetics (formerly Invitae), Labcorp
Classification: Uncertain significance for Autosomal recessive distal spinal muscular atrophy 1; Charcot-Marie-Tooth disease axonal type 2S. Last evaluated: 2021-08-28. Review status: criteria provided, single submitter. Criteria: Invitae Variant Classification Sherloc (09022015). Collection method: clinical testing. Allele origin: germline.
Comment: This sequence change replaces glycine with arginine at codon 959 of the IGHMBP2 protein (p.Gly959Arg). The glycine residue is weakly conserved and there is a moderate physicochemical difference between glycine and arginine. This variant is present in population databases (rs199574747, ExAC 0.006%). This variant has not been reported in the literature in individuals affected with IGHMBP2-related conditions. Algorithms developed to predict the effect of missense changes on protein structure and function output the following: SIFT: "Tolerated"; PolyPhen-2: "Benign"; Align-GVGD: "Class C0". The arginine amino acid residue is found in multiple mammalian species, which suggests that this missense change does not adversely affect protein function. In summary, the available evidence is currently insufficient to determine the role of this variant in disease. Therefore, it has been classified as a Variant of Uncertain Significance.

NM_002180.3(IGHMBP2):c.2875G>A (p.Gly959Arg)

Gene: IGHMBP2 (immunoglobulin mu DNA binding protein 2; plus strand). Cytogenetic location: 11q13.3.
Variant type: single nucleotide variant.
Coding change: c.2875G>A on transcript NM_002180.3 (MANE Select); coding-DNA position 2875, G replaced by A.
Protein change: p.Gly959Arg; replaces glycine 959 with arginine.
Molecular consequence: missense variant.
Genome position (GRCh38, 1-based): chr11:68,939,624, G>A. VCF-style: chr11-68939624-G-A. GRCh37 (hg19) VCF-style: chr11-68707092-G-A.
Other names: short protein forms G959R.
Identifiers: ClinVar variation 466593 (VCV000466593.6), dbSNP rs199574747, ClinGen allele CA6154052.